The following is an entry in ClinVar:

NM_000037.4(ANK1):c.1282del (p.Ala428fs)

Gene: ANK1 (ankyrin 1; minus strand). Cytogenetic location: 8p11.21.
Variant type: Deletion.
Coding change: c.1282del on transcript NM_000037.4 (MANE Select); coding-DNA position 1282, one base deleted (G; older notation c.1282delG).
Protein change: p.Ala428fs; shifts the reading frame from alanine 428.
Molecular consequence: frameshift variant.
Genome position (GRCh38, 1-based): chr8:41,717,627, C deleted on the plus strand (G on the coding strand, the reverse complement: ANK1 is on the minus strand); the first of 6 consecutive C bases (chr8:41,717,627-41,717,632); deleting any one gives the same sequence. VCF-style (leftmost placement, unchanged base first): chr8-41717626-GC-G. GRCh37 (hg19) VCF-style: chr8-41575144-GC-G.
Other names: p.Ala428Argfs*8; c.1381del, p.Ala461fs (NM_001142446.2); c.1282del, p.Ala428fs (NM_020475.3, NM_020476.3, NM_020477.3); short protein forms A461fs, A428fs.
Identifiers: ClinVar variation 4541369 (VCV004541369.1).
Genomic context (GRCh38, chr8:41,717,626, plus strand): 5'-GTCTAGGGGAGCAAGCCCCTGCCTGCCTGAGGGCTTACCACGTTGGAGACGTTGGGCGAC[GC>G]CCCCCGCTGCAGGAGGTTCTTCACGATGGGAAGGTGCCCCATGAAGGAGGCCACGTGGAG-3'

ClinVar aggregate classification (germline): Likely pathogenic (1 of 4 stars; one submission).

Submission:

Mayo Clinic Laboratories, Mayo Clinic
Classification: Likely pathogenic. Last evaluated: 2025-04-16. Review status: criteria provided, single submitter. Criteria: ACMG Guidelines, 2015. Collection method: clinical testing. Allele origin: germline. Observed: 1 variant allele.
Comment: PM2_supporting, PVS1

Literature cited by the submitters: PubMed 9054656.